The following is an entry in ClinVar:

ClinVar aggregate classification (germline): Pathogenic (0 of 4 stars; one submission).

Submission:

Eurofins Ntd Llc (ga)
Classification: Pathogenic. Last evaluated: 2017-12-01. Review status: no assertion criteria provided. Collection method: clinical testing, research. Allele origin: germline, not applicable. Inheritance: X-linked inheritance. Affected: yes. Observed: 1 variant allele, 1 hemizygote.
Comment: Biochemical testing on muscle biopsy showed decreased PGK enzyme activity (18% of reference). RNA analysis showed reduced PGK1 transcript levels (~30% compared with control) in both the proband and a similarly affected brother.

NC_000023.11:g.78195010_79012636del

Genes: LPAR4 (lysophosphatidic acid receptor 4; plus strand), MIR4328 (microRNA 4328; minus strand), P2RY10 (P2Y receptor family member 10; plus strand), RTL3 (retrotransposon Gag like 3; minus strand), CYSLTR1 (cysteinyl leukotriene receptor 1; minus strand) and 4 more. Cytogenetic location: Xq21.1.
Variant type: Deletion.
Identifiers: ClinVar variation 487581 (VCV000487581.8).